The following is an entry in ClinVar:

NM_001754.5(RUNX1):c.996C>G (p.Asp332Glu)

Gene: RUNX1 (RUNX family transcription factor 1; minus strand). Cytogenetic location: 21q22.12.
Variant type: single nucleotide variant.
Coding change: c.996C>G on transcript NM_001754.5 (MANE Select); coding-DNA position 996, C replaced by G.
Protein change: p.Asp332Glu; replaces aspartic acid 332 with glutamic acid.
Molecular consequence: missense variant.
Genome position (GRCh38, 1-based): chr21:34,792,582, G>C on the plus strand (C>G on the coding strand, the complement: RUNX1 is on the minus strand). VCF-style: chr21-34792582-G-C. GRCh37 (hg19) VCF-style: chr21-36164879-G-C.
Other names: NM_001754.5(RUNX1):c.996C>G; p.Asp332Glu; c.915C>G, p.Asp305Glu (NM_001001890.3); short protein forms D305E, D332E.
Identifiers: ClinVar variation 2126194 (VCV002126194.5), dbSNP rs1170458993, ClinGen allele CA410148710.

ClinVar aggregate classification (germline): Uncertain significance. Review status: reviewed by expert panel (3 of 4 stars). 2 submissions from 2 submitters: Uncertain significance (1). 1 of the submissions does not count toward it. Last evaluated 2024-07-25.

Conditions:
Hereditary thrombocytopenia and hematological cancer predisposition syndrome associated with RUNX1. Also called: Familial Platelet Disorder with Propensity to Acute Myelogenous Leukemia; Familial thrombocytopenia with propensity to acute myelogenous leukemia; PLATELET DISORDER, ASPIRIN-LIKE; RUNX1 Familial Platelet Disorder with Associated Myeloid Malignancies. Identifiers: Orphanet 71290, MedGen C1832388, MeSH C563324, MONDO:0100083, OMIM 601399.
Hereditary thrombocytopenia and hematologic cancer predisposition syndrome. Identifiers: Orphanet 71290, MedGen CN281654, MONDO:0011071.

Submissions (2):

ClinGen Myeloid Malignancy Variant Curation Expert Panel
Classification: Uncertain significance for Hereditary thrombocytopenia and hematologic cancer predisposition syndrome. Last evaluated: 2024-07-25. Review status: reviewed by expert panel. Criteria: ClinGen MyeloMalig ACMG Specifications v2. Collection method: curation. Allele origin: germline. Inheritance: Autosomal dominant inheritance.
Comment: NM_001754.5(RUNX1):c.996C>G (p.Asp332Glu) is a missense variant which is completely absent from all population databases with at least 20x coverage for RUNX1 (PM2_supporting). No proband meeting RUNX1 phenotypic criteria has been observed. This missense variant has a REVEL score <0.50 (0.334) (BP4). In summary, this variant meets the criteria to be classified as a variant of uncertain significance. ACMG/AMP criteria applied, as specified by the Myeloid Malignancy Variant Curation Expert Panel for RUNX1: BP4, PM2_supporting.

Labcorp Genetics (formerly Invitae), Labcorp
Classification: Uncertain significance for Hereditary thrombocytopenia and hematological cancer predisposition syndrome associated with RUNX1. Last evaluated: 2022-07-23. Review status: criteria provided, single submitter. Criteria: Invitae Variant Classification Sherloc (09022015). Collection method: clinical testing. Allele origin: germline. Not counted in ClinVar's aggregate classification.
Comment: This sequence change replaces aspartic acid, which is acidic and polar, with glutamic acid, which is acidic and polar, at codon 332 of the RUNX1 protein (p.Asp332Glu). This variant is not present in population databases (gnomAD no frequency). This variant has not been reported in the literature in individuals affected with RUNX1-related conditions. Algorithms developed to predict the effect of missense changes on protein structure and function are either unavailable or do not agree on the potential impact of this missense change (SIFT: "Tolerated"; PolyPhen-2: "Possibly Damaging"; Align-GVGD: "Class C0"). In summary, the available evidence is currently insufficient to determine the role of this variant in disease. Therefore, it has been classified as a Variant of Uncertain Significance.